The following is an entry in ClinVar:

ClinVar aggregate classification (germline): Pathogenic/Likely pathogenic. Review status: criteria provided, multiple submitters, no conflicts (2 of 4 stars). 3 submissions from 3 submitters: Pathogenic (1); Likely pathogenic (2). Last evaluated 2023-11-11.

Conditions:
Rare genetic deafness. Identifiers: Orphanet 96210, MedGen C5680250.
Nonsyndromic genetic hearing loss. Also called: Non-syndromic genetic deafness; Nonsyndromic hearing loss and deafness; Nonsyndromic genetic deafness. Identifiers: Orphanet 87884, MedGen C5680182, MONDO:0019497.

gnomAD v4.1: 9 of 1,612,446 alleles (0.00056%); highest among the groups gnomAD compares: Non-Finnish European, 0.00042%; no homozygotes.

Submissions (3):

Labcorp Genetics (formerly Invitae), Labcorp
Classification: Pathogenic. Last evaluated: 2023-11-11. Review status: criteria provided, single submitter. Criteria: Invitae Variant Classification Sherloc (09022015). Collection method: clinical testing. Allele origin: germline.
Comment: This sequence change creates a premature translational stop signal (p.Glu643*) in the OTOF gene. It is expected to result in an absent or disrupted protein product. Loss-of-function variants in OTOF are known to be pathogenic (PMID: 18381613, 19250381, 22575033). This variant is present in population databases (rs200864338, gnomAD 0.004%). This variant has not been reported in the literature in individuals affected with OTOF-related conditions. ClinVar contains an entry for this variant (Variation ID: 929942). Algorithms developed to predict the effect of sequence changes on RNA splicing suggest that this variant may disrupt the consensus splice site. For these reasons, this variant has been classified as Pathogenic.

Women's Health and Genetics/Laboratory Corporation of America, LabCorp
Classification: Likely pathogenic for Nonsyndromic genetic hearing loss. Last evaluated: 2023-02-28. Review status: criteria provided, single submitter. Criteria: LabCorp Variant Classification Summary - May 2015. Collection method: clinical testing. Allele origin: germline.
Comment: Variant summary: OTOF c.1927G>T (p.Glu643X) results in a premature termination codon, predicted to cause a truncation of the encoded protein or absence of the protein due to nonsense mediated decay, which are commonly known mechanisms for disease. Truncations downstream of this position have been classified as pathogenic by our laboratory. The variant allele was found at a frequency of 1.2e-05 in 249418 control chromosomes. To our knowledge, no occurrence of c.1927G>T in individuals affected with Nonsyndromic Hearing Loss And Deafness, Type 9 and no experimental evidence demonstrating its impact on protein function have been reported. One clinical diagnostic laboratory has submitted clinical-significance assessments for this variant to ClinVar after 2014 and classified the variant as likely pathogenic. Based on the evidence outlined above, the variant was classified as likely pathogenic.

Laboratory for Molecular Medicine, Mass General Brigham Personalized Medicine
Classification: Likely pathogenic for Rare genetic deafness. Last evaluated: 2019-05-22. Review status: criteria provided, single submitter. Criteria: LMM Criteria. Collection method: clinical testing. Allele origin: germline. Inheritance: Autosomal recessive inheritance. Observed: 1 variant allele.
Comment: The p.Glu643X variant in OTOF has not been previously reported in individuals with hearing loss or auditory neuropathy spectrum disorder, but has been identified in 0.003% (1/25072) of Finnish chromosomes and in 0.002% (3/127636) European chromosomes by gnomAD. This nonsense variant leads to a premature termination codon at position 643, which is predicted to lead to a truncated or absent protein. Loss of function of the OTOF gene is an established disease mechanism in autosomal recessive auditory neuropathy spectrum disorder. In summary, although additional studies are required to fully establish its clinical significance, this variant meets criteria to be classified as likely pathogenic for autosomal recessive auditory neuropathy spectrum disorder. ACMG/AMP Criteria applied: PVS1, PM2.

Literature cited by the submitters: PubMed 18381613 (cited by Labcorp Genetics (formerly Invitae), Labcorp); PubMed 19250381 (cited by Labcorp Genetics (formerly Invitae), Labcorp); PubMed 22575033 (cited by Labcorp Genetics (formerly Invitae), Labcorp).

NM_194248.3(OTOF):c.1927G>T (p.Glu643Ter)

Gene: OTOF (otoferlin; minus strand). Cytogenetic location: 2p23.3.
Variant type: single nucleotide variant.
Coding change: c.1927G>T on transcript NM_194248.3 (MANE Select); coding-DNA position 1927, G replaced by T.
Protein change: p.Glu643Ter; replaces glutamic acid 643 with a stop codon.
Molecular consequence: nonsense.
Genome position (GRCh38, 1-based): chr2:26,479,639, C>A on the plus strand (G>T on the coding strand, the complement: OTOF is on the minus strand). VCF-style: chr2-26479639-C-A. GRCh37 (hg19) VCF-style: chr2-26702507-C-A.
Other names: c.1927G>T, p.Glu643Ter (NM_001287489.2); c.1927G>T (NM_194248.2); short protein forms E643*.
Identifiers: ClinVar variation 929942 (VCV000929942.8), dbSNP rs200864338, ClinGen allele CA1564118.
Genomic context (GRCh38, chr2:26,479,639, plus strand): 5'-CCTCATCCCCCGGCTCCTTCCGGGGCCGAGGCCGCTGGGGCCGGGACAGGCCATCAACTT[C>A]GTTCCCATAGTTGCCTGGAGCAGAATGGGCCCAGAAGGCCTAGAGTGCATTCCCCACCAG-3'